The following is an entry in ClinVar:

ClinVar aggregate classification (germline): Pathogenic (1 of 4 stars; one submission).

Conditions:
Combined immunodeficiency due to DOCK8 deficiency (HIES2). Also called: Hyper-IgE recurrent infection syndrome, autosomal recessive; HYPER-IgE RECURRENT INFECTION SYNDROME 2, AUTOSOMAL RECESSIVE; HYPER-IgE SYNDROME 2, AUTOSOMAL RECESSIVE, WITH RECURRENT INFECTIONS; DOCK8 Deficiency; HIES autosomal recessive. Identifiers: Orphanet 217390, MedGen C4722305, MONDO:0009478, OMIM 243700.

Submission:

Labcorp Genetics (formerly Invitae), Labcorp
Classification: Pathogenic for Combined immunodeficiency due to DOCK8 deficiency. Last evaluated: 2025-10-18. Review status: criteria provided, single submitter. Criteria: Invitae Variant Classification Sherloc (09022015). Collection method: clinical testing. Allele origin: germline.
Comment: This sequence change creates a premature translational stop signal (p.Arg1388Hisfs*5) in the DOCK8 gene. It is expected to result in an absent or disrupted protein product. Loss-of-function variants in DOCK8 are known to be pathogenic (PMID: 14722525, 19776401). This variant is not present in population databases (gnomAD no frequency). This variant has not been reported in the literature in individuals affected with DOCK8-related conditions. ClinVar contains an entry for this variant (Variation ID: 1451221). For these reasons, this variant has been classified as Pathogenic.

Literature cited by the submitters: PubMed 14722525; PubMed 19776401.

NM_203447.4(DOCK8):c.4163del (p.Arg1388fs)

Gene: DOCK8 (dedicator of cytokinesis 8; plus strand). Cytogenetic location: 9p24.3.
Variant type: Deletion.
Coding change: c.4163del on transcript NM_203447.4 (MANE Select); coding-DNA position 4163, one base deleted (G; older notation c.4163delG).
Protein change: p.Arg1388fs; shifts the reading frame from arginine 1388.
Molecular consequence: frameshift variant.
Genome position (GRCh38, 1-based): chr9:422,057, G deleted. VCF-style (leftmost placement, unchanged base first): chr9-422056-CG-C. GRCh37 (hg19) VCF-style: chr9-422056-CG-C.
Other names: c.3863del, p.Arg1288fs (NM_001190458.2); c.3959del, p.Arg1320fs (NM_001193536.2); short protein forms R1388fs, R1288fs, R1320fs.
Identifiers: ClinVar variation 1451221 (VCV001451221.6), dbSNP rs2131648737, ClinGen allele CA2573144453.